The following is an entry in ClinVar:

ClinVar aggregate classification (germline): Uncertain significance. Review status: criteria provided, multiple submitters, no conflicts (2 of 4 stars). 4 submissions from 3 submitters: Uncertain significance (4). Last evaluated 2024-06-24.

Conditions:
Autosomal dominant nocturnal frontal lobe epilepsy 5. Also called: CILIARY DYSKINESIA, PRIMARY, 28, WITH SITUS INVERSUS; CILIARY DYSKINESIA, PRIMARY, 28, WITHOUT SITUS INVERSUS; Epilepsy, nocturnal frontal lobe, 5; KCNT1-Related Epilepsy. Identifiers: Orphanet 98784, MedGen C3554306, MONDO:0014002, OMIM 615005.
Developmental and epileptic encephalopathy, 14 (DEE14). Also called: Early infantile epileptic encephalopathy 14. Identifiers: Orphanet 293181, MedGen C3554195, MONDO:0013989, OMIM 614959.

Allele frequency attached by ClinVar (database versions not stated): gnomAD 0.00001; gnomAD exomes 0.00002; ExAC 0.00003.
gnomAD v4.1: 25 of 1,611,406 alleles (0.0016%); highest among the groups gnomAD compares: Middle Eastern, 0.016%; no homozygotes.

Submissions (4):

Labcorp Genetics (formerly Invitae), Labcorp
Classification: Uncertain significance for Autosomal dominant nocturnal frontal lobe epilepsy 5; Developmental and epileptic encephalopathy, 14. Last evaluated: 2024-06-24. Review status: criteria provided, single submitter. Criteria: Invitae Variant Classification Sherloc (09022015). Collection method: clinical testing. Allele origin: germline.
Comment: This sequence change replaces arginine, which is basic and polar, with histidine, which is basic and polar, at codon 659 of the KCNT1 protein (p.Arg659His). This variant is present in population databases (rs754634573, gnomAD 0.005%). This missense change has been observed in individual(s) with clinical features of KCNT1-related conditions (Invitae). ClinVar contains an entry for this variant (Variation ID: 810468). Advanced modeling of protein sequence and biophysical properties (such as structural, functional, and spatial information, amino acid conservation, physicochemical variation, residue mobility, and thermodynamic stability) performed at Invitae indicates that this missense variant is not expected to disrupt KCNT1 protein function with a negative predictive value of 80%. In summary, the available evidence is currently insufficient to determine the role of this variant in disease. Therefore, it has been classified as a Variant of Uncertain Significance.

Genome-Nilou Lab
Classification: Uncertain significance for Developmental and epileptic encephalopathy, 14. Last evaluated: 2022-03-15. Review status: criteria provided, single submitter. Criteria: ACMG Guidelines, 2015. Collection method: clinical testing. Allele origin: germline. Affected: no.

Genome-Nilou Lab
Classification: Uncertain significance for Autosomal dominant nocturnal frontal lobe epilepsy 5. Last evaluated: 2022-03-15. Review status: criteria provided, single submitter. Criteria: ACMG Guidelines, 2015. Collection method: clinical testing. Allele origin: germline. Affected: no.

CeGaT Center for Human Genetics Tuebingen
Classification: Uncertain significance. Last evaluated: 2016-08-01. Review status: criteria provided, single submitter. Criteria: CeGaT Center For Human Genetics Tuebingen Variant Classification Criteria Version 2. Collection method: clinical testing. Allele origin: germline. Affected: yes. Observed: 1 variant allele.

NM_020822.3(KCNT1):c.1976G>A (p.Arg659His)

Gene: KCNT1 (potassium sodium-activated channel subfamily T member 1; plus strand). Cytogenetic location: 9q34.3.
Variant type: single nucleotide variant.
Coding change: c.1976G>A on transcript NM_020822.3 (MANE Select); coding-DNA position 1976, G replaced by A.
Protein change: p.Arg659His; replaces arginine 659 with histidine.
Molecular consequence: missense variant.
Genome position (GRCh38, 1-based): chr9:135,771,063, G>A. VCF-style: chr9-135771063-G-A. GRCh37 (hg19) VCF-style: chr9-138662909-G-A.
Other names: c.1841G>A, p.Arg614His (NM_001272003.2); short protein forms R614H, R659H.
Identifiers: ClinVar variation 810468 (VCV000810468.48), dbSNP rs754634573, ClinGen allele CA5327128.